The following is an entry in ClinVar:

NM_014009.4(FOXP3):c.816+6C>T

Gene: FOXP3 (forkhead box P3; minus strand). Cytogenetic location: Xp11.23.
Variant type: single nucleotide variant.
Coding change: c.816+6C>T on transcript NM_014009.4 (MANE Select); 6 bases into the intron after coding-DNA position 816, C replaced by T.
Molecular consequence: intron variant.
Genome position (GRCh38, 1-based): chrX:49,255,423, G>A on the plus strand (C>T on the coding strand, the complement: FOXP3 is on the minus strand). VCF-style: chrX-49255423-G-A. GRCh37 (hg19) VCF-style: chrX-49111884-G-A.
Other names: c.711+6C>T (NM_001114377.2).
Identifiers: ClinVar variation 952673 (VCV000952673.12), dbSNP rs781919619, ClinGen allele CA10411734.

ClinVar aggregate classification (germline): Conflicting classifications of pathogenicity. Review status: criteria provided, conflicting classifications (1 of 4 stars). 4 submissions from 4 submitters: Uncertain significance (2); Likely benign (2). Last evaluated 2026-02-01.

Conditions:
Insulin-dependent diabetes mellitus secretory diarrhea syndrome (IPEX). Also called: Immunodysregulation, polyendocrinopathy, and enteropathy, X-linked; Immune dysregulation-polyendocrinopathy-enteropathy-X-linked syndrome; IMMUNODEFICIENCY, POLYENDOCRINOPATHY, AND ENTEROPATHY, X-LINKED; DIABETES MELLITUS, CONGENITAL INSULIN-DEPENDENT, WITH FATAL SECRETORY DIARRHEA; DIARRHEA, POLYENDOCRINOPATHY, FATAL INFECTION SYNDROME, X-LINKED; ENTEROPATHY, AUTOIMMUNE, WITH HEMOLYTIC ANEMIA AND POLYENDOCRINOPATHY. Identifiers: Orphanet 37042, MedGen C0342288, MONDO:0010580, OMIM 304790. Disease mechanism: loss of function.

Allele frequency attached by ClinVar (database versions not stated): gnomAD 0.00004 and 0.00005; TOPMed 0.00005; gnomAD exomes 0.00006 and 0.00008; ExAC 0.00008.
gnomAD v4.1: 70 of 1,198,518 alleles (0.0058%); highest among the groups gnomAD compares: Middle Eastern, 0.34%; no homozygotes.

Submissions (4):

CeGaT Center for Human Genetics Tuebingen
Classification: Likely benign. Last evaluated: 2026-02-01. Review status: criteria provided, single submitter. Criteria: CeGaT Center For Human Genetics Tuebingen Variant Classification Criteria Version 2. Collection method: clinical testing. Allele origin: germline. Affected: yes. Observed: 1 variant allele.
Comment: FOXP3: BP4, BS2

Labcorp Genetics (formerly Invitae), Labcorp
Classification: Uncertain significance for Insulin-dependent diabetes mellitus secretory diarrhea syndrome. Last evaluated: 2025-01-17. Review status: criteria provided, single submitter. Criteria: Invitae Variant Classification Sherloc (09022015). Collection method: clinical testing. Allele origin: germline.
Comment: This sequence change falls in intron 8 of the FOXP3 gene. It does not directly change the encoded amino acid sequence of the FOXP3 protein. It affects a nucleotide within the consensus splice site. The frequency data for this variant in the population databases is considered unreliable, as metrics indicate poor data quality at this position in the gnomAD database. This variant has not been reported in the literature in individuals affected with FOXP3-related conditions. ClinVar contains an entry for this variant (Variation ID: 952673). Variants that disrupt the consensus splice site are a relatively common cause of aberrant splicing (PMID: 17576681, 9536098). Algorithms developed to predict the effect of sequence changes on RNA splicing suggest that this variant is not likely to affect RNA splicing. In summary, the available evidence is currently insufficient to determine the role of this variant in disease. Therefore, it has been classified as a Variant of Uncertain Significance.

Blueprint Genetics
Classification: Likely benign. Last evaluated: 2024-10-30. Review status: criteria provided, single submitter. Criteria: ACMG Guidelines, 2015. Collection method: clinical testing. Allele origin: germline.

Women's Health and Genetics/Laboratory Corporation of America, LabCorp
Classification: Uncertain significance. Last evaluated: 2023-12-12. Review status: criteria provided, single submitter. Criteria: LabCorp Variant Classification Summary - May 2015. Collection method: clinical testing. Allele origin: germline.

Literature cited by the submitters: PubMed 17576681 (cited by Labcorp Genetics (formerly Invitae), Labcorp); PubMed 9536098 (cited by Labcorp Genetics (formerly Invitae), Labcorp).